The following is an entry in ClinVar:

NM_002485.5(NBN):c.2099del (p.Pro700fs)

Gene: NBN (nibrin; minus strand). Cytogenetic location: 8q21.3.
Variant type: Deletion.
Coding change: c.2099del on transcript NM_002485.5 (MANE Select); coding-DNA position 2099, one base deleted (C; older notation c.2099delC).
Protein change: p.Pro700fs; shifts the reading frame from proline 700.
Molecular consequence: frameshift variant.
Genome position (GRCh38, 1-based): chr8:89,943,338, G deleted on the plus strand (C on the coding strand, the reverse complement: NBN is on the minus strand); the first of 2 consecutive G bases (chr8:89,943,338-89,943,339); deleting either gives the same sequence. VCF-style (leftmost placement, unchanged base first): chr8-89943337-TG-T. GRCh37 (hg19) VCF-style: chr8-90955565-TG-T.
Other names: c.1853del, p.Pro618fs (NM_001024688.3); short protein forms P618fs, P700fs.
Identifiers: ClinVar variation 964995 (VCV000964995.8), dbSNP rs1301956720, ClinGen allele CA583378839.

ClinVar aggregate classification (germline): Pathogenic/Likely pathogenic. Review status: criteria provided, multiple submitters, no conflicts (2 of 4 stars). 2 submissions from 2 submitters: Pathogenic (1); Likely pathogenic (1). Last evaluated 2024-02-26.

Conditions:
Microcephaly, normal intelligence and immunodeficiency (NBS). Also called: Nijmegen breakage syndrome; Microcephaly with normal intelligence immunodeficiency and lymphoreticular malignancies; Nonsyndromal microcephaly autosomal recessive with normal intelligence; Seemanova syndrome 2; IMMUNODEFICIENCY, MICROCEPHALY, AND CHROMOSOMAL INSTABILITY; Ataxia telangiectasia variant V1. Identifiers: Orphanet 647, MedGen C0398791, MONDO:0009623, OMIM 251260.

Submissions (2):

GeneDx
Classification: Likely pathogenic. Last evaluated: 2024-02-26. Review status: criteria provided, single submitter. Criteria: GeneDx Variant Classification Process June 2021. Collection method: clinical testing. Allele origin: germline. Affected: yes.
Comment: Frameshift variant predicted to result in protein truncation or nonsense mediated decay in a gene for which loss of function is a known mechanism of disease; Not observed at significant frequency in large population cohorts (gnomAD); Observed among a cohort of prostate cancer cases and controls (PMID: 32832836); This variant is associated with the following publications: (PMID: 16415040, 9590180, 32832836)

Labcorp Genetics (formerly Invitae), Labcorp
Classification: Pathogenic for Microcephaly, normal intelligence and immunodeficiency. Last evaluated: 2022-12-31. Review status: criteria provided, single submitter. Criteria: Invitae Variant Classification Sherloc (09022015). Collection method: clinical testing. Allele origin: germline.
Comment: For these reasons, this variant has been classified as Pathogenic. ClinVar contains an entry for this variant (Variation ID: 964995). This variant has not been reported in the literature in individuals affected with NBN-related conditions. This variant is present in population databases (no rsID available, gnomAD 0.004%). This sequence change creates a premature translational stop signal (p.Pro700Hisfs*9) in the NBN gene. It is expected to result in an absent or disrupted protein product. Loss-of-function variants in NBN are known to be pathogenic (PMID: 9590180, 16415040).

Literature cited by the submitters: PubMed 9590180 (cited by Labcorp Genetics (formerly Invitae), Labcorp); PubMed 16415040 (cited by Labcorp Genetics (formerly Invitae), Labcorp).